The following continues an entry in ClinVar:

NM_000540.3(RYR1):c.742G>C (p.Gly248Arg)

Gene: RYR1. ClinVar aggregate classification (germline): Pathogenic. Pathogenic (1).

Submissions 6 to 15 of 15:

Victorian Clinical Genetics Services, Murdoch Childrens Research Institute
Classification: Pathogenic for Malignant hyperthermia, susceptibility to, 1. Last evaluated: 2025-02-03. Review status: criteria provided, single submitter. Criteria: ACMG Guidelines, 2015. Collection method: clinical testing. Allele origin: germline. Not counted in ClinVar's aggregate classification.
Comment: This variant is classified as Pathogenic. Evidence in support of pathogenic classification: Variant is present in gnomAD <0.01 (v4: 10 heterozygote(s), 0 homozygote(s)). An alternative nucleotide change that results in the same amino acid change is also present in gnomAD <0.01 (v4: 5 heterozygote(s), 0 homozygote(s)); This variant has strong previous evidence of pathogenicity in unrelated individuals. This variant has been classified as pathogenic by the ClinGen Malignant Hyperthermia Susceptibility Variant Curation Expert Panel (ClinVar). Additional information: Variant is predicted to result in a missense amino acid change from glycine to arginine; This gene is associated with both recessive and dominant disease (OMIM); Loss of function and gain of function are known mechanisms of disease in this gene and are associated with RYR1-related disorders (OMIM). Gain of function mechanism has been described in the context of malignant hyperthermia susceptibility 1 (MIM#145600) and autosomal dominant congenital myopathy 1A with susceptibility to malignant hyperthermia (MIM#117000). Autosomal recessive congenital myopathy 1B (MIM#255320) is associated with a loss of function mechanism (PMIDs: 27855725, 23919265). The mechanism of King-Denborough syndrome (MIM#619542) is unclear.

All of Us Research Program, National Institutes of Health
Classification: Pathogenic for Malignant hyperthermia, susceptibility to, 1. Last evaluated: 2024-09-13. Review status: criteria provided, single submitter. Criteria: ACMG Guidelines, 2015. Collection method: clinical testing. Allele origin: germline. Inheritance: Autosomal dominant inheritance. Observed: 1 variant allele, 1 heterozygote. Not counted in ClinVar's aggregate classification.
Comment: This missense variant replaces glycine with arginine at codon 248 of the RYR1 protein. Computational prediction suggests that this variant may have deleterious impact on protein structure and function. Functional studies in HEK293 cells have shown that cells expressing this variant have increased sensitivity to caffeine, halothane, and 4-CmC compared to cells expressing wild-type RYR1 (PMID: 15448513, 20461000, 27857962, 9334205). This variant has been reported in families and individuals affected with malignant hyperthermia susceptibility (PMID: 18564801, 19346234, 23558838, 30236257). This variant has been shown to segregate with disease in 1 family, this family carried a second RYR1 variant of uncertain significance in cis (PMID: 19346234, 30236257). This variant has been identified in 4/282572 chromosomes in the general population by the Genome Aggregation Database (gnomAD). Based on the available evidence, this variant is classified as Pathogenic.

This study involves interpretation of variants in research participants for the purpose of population health screening. Participant phenotype was not available at the time of variant classification. Additional details can be found in publication PMID: 35346344, PMCID: PMC8962531

Blueprint Genetics
Classification: Pathogenic for RYR1-related disorders. Last evaluated: 2024-09-04. Review status: criteria provided, single submitter. Criteria: ACMG Guidelines, 2015. Collection method: clinical testing. Allele origin: germline. Affected: yes. Observed: 5 variant alleles. Not counted in ClinVar's aggregate classification.

GeneDx
Classification: Pathogenic. Last evaluated: 2024-05-30. Review status: criteria provided, single submitter. Criteria: GeneDx Variant Classification Process June 2021. Collection method: clinical testing. Allele origin: germline. Affected: yes. Not counted in ClinVar's aggregate classification.
Comment: Not observed at significant frequency in large population cohorts (gnomAD); In silico analysis supports that this missense variant has a deleterious effect on protein structure/function; This variant is associated with the following publications: (PMID: 7849712, 31301762, 32231684, 20461000, 23422674, 25525159, 24627108, 19346234, 27147545, 9334205, 9873004, 33564012, 26115329, 6917943, 15448513, 33767344, 27857962, 23919265, 23558838, 12565913, 11575529, 36245440, 21795085, 30236257, 18564801)

CeGaT Center for Human Genetics Tuebingen
Classification: Pathogenic. Last evaluated: 2023-05-01. Review status: criteria provided, single submitter. Criteria: CeGaT Center For Human Genetics Tuebingen Variant Classification Criteria Version 2. Collection method: clinical testing. Allele origin: germline. Affected: yes. Observed: 1 variant allele. Not counted in ClinVar's aggregate classification.
Comment: RYR1: PM1:Strong, PS1, PS3:Moderate, PP1, PS4:Supporting

Institute of Human Genetics, Clinical Exome/Genome Diagnostics Group, University Hospital Bonn
Classification: Pathogenic for Malignant hyperthermia, susceptibility to, 1. Last evaluated: 2022-11-03. Review status: criteria provided, single submitter. Criteria: ACMG Guidelines, 2015. Collection method: clinical testing. Allele origin: maternal. Not counted in ClinVar's aggregate classification.

PreventionGenetics, part of Exact Sciences
Classification: Pathogenic. Last evaluated: 2013-11-19. Review status: criteria provided, single submitter. Criteria: ACMG Guidelines, 2015. Collection method: clinical testing. Allele origin: germline. Not counted in ClinVar's aggregate classification.

Institute for Medical Genetics and Human Genetics, Charité - Universitätsmedizin Berlin
Classification: Pathogenic for Autism spectrum disorder due to AUTS2 deficiency. Review status: criteria provided, single submitter. Criteria: ACMG Guidelines, 2015. Collection method: not provided. Allele origin: germline. Inheritance: Autosomal dominant inheritance. Affected: yes. Not counted in ClinVar's aggregate classification.

Juno Genomics, Hangzhou Juno Genomics, Inc
Classification: Pathogenic for Malignant hyperthermia, susceptibility to, 1. Review status: criteria provided, single submitter. Criteria: ACMG Guidelines, 2015. Collection method: clinical testing. Allele origin: germline. Not counted in ClinVar's aggregate classification.
Comment: Same amino acid change as a previously established pathogenic variant regardless of nucleotide change.;The prevalence of the variant in affected individuals is significantly increased compared to the prevalence in controls.;Co-segregation with disease in multiple affected family members.;Located in a mutational hot spot and/or critical and well-established functional domain without benign variation.;Well-established in vitro or in vivo functional studies supportive of a damaging effect on the gene or gene product.

RYR1 database
No classification provided. Review status: no classification provided. Collection method: not provided. Allele origin: unknown. Not counted in ClinVar's aggregate classification.

Literature cited by the submitters: PubMed 23558838 (cited by 3 submitters); PubMed 9334205 (cited by 3 submitters); PubMed 18564801 (cited by 3 submitters); PubMed 19890226 (cited by Women's Health and Genetics/Laboratory Corporation of America, LabCorp); PubMed 19931341 (cited by Women's Health and Genetics/Laboratory Corporation of America, LabCorp); PubMed 1354642 (cited by Labcorp Genetics (formerly Invitae), Labcorp); PubMed 11575529 (cited by Labcorp Genetics (formerly Invitae), Labcorp); PubMed 15448513 (cited by Labcorp Genetics (formerly Invitae), Labcorp and All of Us Research Program, National Institutes of Health); PubMed 19648156 (cited by Labcorp Genetics (formerly Invitae), Labcorp); PubMed 6917943 (cited by Labcorp Genetics (formerly Invitae), Labcorp); PubMed 9873004 (cited by Labcorp Genetics (formerly Invitae), Labcorp); PubMed 12565913 (cited by Labcorp Genetics (formerly Invitae), Labcorp); PubMed 23919265 (cited by Labcorp Genetics (formerly Invitae), Labcorp and Victorian Clinical Genetics Services, Murdoch Childrens Research Institute); PubMed 27857962 (cited by Labcorp Genetics (formerly Invitae), Labcorp and All of Us Research Program, National Institutes of Health); PubMed 27855725 (cited by Victorian Clinical Genetics Services, Murdoch Childrens Research Institute); PubMed 19346234 (cited by All of Us Research Program, National Institutes of Health); PubMed 20461000 (cited by All of Us Research Program, National Institutes of Health); PubMed 30236257 (cited by All of Us Research Program, National Institutes of Health).